The following is an entry in ClinVar:

NM_006231.4(POLE):c.23G>C (p.Arg8Pro)

Genes: POLE (DNA polymerase epsilon, catalytic subunit; minus strand), LOC130009266 (ATAC-STARR-seq lymphoblastoid silent region 5123; plus strand). Cytogenetic location: 12q24.33.
Variant type: single nucleotide variant.
Coding change: c.23G>C on transcript NM_006231.4 (MANE Select); coding-DNA position 23, G replaced by C.
Protein change: p.Arg8Pro; replaces arginine 8 with proline.
Molecular consequence: missense variant.
Genome position (GRCh38, 1-based): chr12:132,687,293, C>G on the plus strand (G>C on the coding strand, the complement: POLE is on the minus strand). VCF-style: chr12-132687293-C-G. GRCh37 (hg19) VCF-style: chr12-133263879-C-G.
Other names: short protein forms R8P.
Identifiers: ClinVar variation 2447916 (VCV002447916.5), dbSNP rs2136052243, ClinGen allele CA387373472.

ClinVar aggregate classification (germline): Uncertain significance. Review status: criteria provided, multiple submitters, no conflicts (2 of 4 stars). 2 submissions from 2 submitters: Uncertain significance (2). Last evaluated 2025-08-24.

Conditions:
Hereditary cancer-predisposing syndrome. Also called: Neoplastic Syndromes, Hereditary; Hereditary Cancer Syndrome; Tumor predisposition; Hereditary neoplastic syndrome. Identifiers: Orphanet 140162, MedGen C0027672, MeSH D009386, MONDO:0015356.

gnomAD v4.1: 1 of 1,504,500 alleles (0.000066%); no homozygotes.

Submissions (2):

Ambry Genetics
Classification: Uncertain significance for Hereditary cancer-predisposing syndrome. Last evaluated: 2025-08-24. Review status: criteria provided, single submitter. Criteria: Ambry Variant Classification Scheme 2023. Collection method: clinical testing. Allele origin: germline.
Comment: The p.R8P variant (also known as c.23G>C), located in coding exon 1 of the POLE gene, results from a G to C substitution at nucleotide position 23. The arginine at codon 8 is replaced by proline, an amino acid with dissimilar properties. This amino acid position is conserved. In addition, this alteration is predicted to be tolerated by in silico analysis. Since supporting evidence is limited at this time, the clinical significance of this alteration remains unclear.

Labcorp Genetics (formerly Invitae), Labcorp
Classification: Uncertain significance. Last evaluated: 2024-08-13. Review status: criteria provided, single submitter. Criteria: Invitae Variant Classification Sherloc (09022015). Collection method: clinical testing. Allele origin: germline.
Comment: This sequence change replaces arginine, which is basic and polar, with proline, which is neutral and non-polar, at codon 8 of the POLE protein (p.Arg8Pro). This variant is not present in population databases (gnomAD no frequency). This variant has not been reported in the literature in individuals affected with POLE-related conditions. ClinVar contains an entry for this variant (Variation ID: 2447916). Experimental studies and prediction algorithms are not available or were not evaluated, and the functional significance of this variant is currently unknown. In summary, the available evidence is currently insufficient to determine the role of this variant in disease. Therefore, it has been classified as a Variant of Uncertain Significance.